The following is an entry in ClinVar:

NM_001127644.2(GABRA1):c.667C>T (p.Gln223Ter)

Gene: GABRA1 (gamma-aminobutyric acid type A receptor subunit alpha1; plus strand). Cytogenetic location: 5q34.
Variant type: single nucleotide variant.
Coding change: c.667C>T on transcript NM_001127644.2 (MANE Select); coding-DNA position 667, C replaced by T.
Protein change: p.Gln223Ter; replaces glutamine 223 with a stop codon.
Molecular consequence: nonsense.
Genome position (GRCh38, 1-based): chr5:161,882,665, C>T. VCF-style: chr5-161882665-C-T. GRCh37 (hg19) VCF-style: chr5-161309671-C-T.
Other names: c.667C>T, p.Gln223Ter (NM_000806.5, NM_001127643.2, NM_001127645.2 and 1 more transcripts); short protein forms Q223*.
Identifiers: ClinVar variation 1697169 (VCV001697169.2), dbSNP rs2113414785, ClinGen allele CA362179620.

ClinVar aggregate classification (germline): Uncertain significance (1 of 4 stars; one submission).

Submission:

GeneDx
Classification: Uncertain significance. Last evaluated: 2022-01-12. Review status: criteria provided, single submitter. Criteria: GeneDx Variant Classification Process June 2021. Collection method: clinical testing. Allele origin: germline. Affected: yes.
Comment: Not observed at significant frequency in large population cohorts (gnomAD); Nonsense variant predicted to result in protein truncation or nonsense mediated decay in a gene for which loss-of-function is not a known mechanism of disease; Has not been previously published as pathogenic or benign to our knowledge